The following is an entry in ClinVar:

NM_005592.4(MUSK):c.207-126G>C

Gene: MUSK (muscle associated receptor tyrosine kinase; plus strand). Cytogenetic location: 9q31.3.
Variant type: single nucleotide variant.
Coding change: c.207-126G>C on transcript NM_005592.4 (MANE Select); 126 bases into the intron before coding-DNA position 207, G replaced by C.
Molecular consequence: intron variant.
Genome position (GRCh38, 1-based): chr9:110,686,991, G>C. VCF-style: chr9-110686991-G-C. GRCh37 (hg19) VCF-style: chr9-113449271-G-C.
Other names: c.207-126G>C (NM_001166280.2, NM_001166281.2).
Identifiers: ClinVar variation 683224 (VCV000683224.2), dbSNP rs7869057, ClinGen allele CA13089246.

ClinVar aggregate classification (germline): Benign. Review status: criteria provided, multiple submitters, no conflicts (2 of 4 stars). 2 submissions from 2 submitters: Benign (2). Last evaluated 2018-06-16.

Allele frequency attached by ClinVar (database versions not stated): 1000 Genomes Project 0.60523; 1000 Genomes Project 30x 0.61446; gnomAD exomes 0.64560; TOPMed 0.69384; gnomAD 0.69847 and 0.71268.
gnomAD v4.1: 525,783 of 801,626 alleles (66%); highest among the groups gnomAD compares: African/African-American, 88%; 177,346 homozygotes.

Submissions (2):

GeneDx
Classification: Benign. Last evaluated: 2018-06-16. Review status: criteria provided, single submitter. Criteria: GeneDx Variant Classification (06012015). Collection method: clinical testing. Allele origin: germline. Affected: yes.
Comment: This variant is considered likely benign or benign based on one or more of the following criteria: it is a conservative change, it occurs at a poorly conserved position in the protein, it is predicted to be benign by multiple in silico algorithms, and/or has population frequency not consistent with disease.

Breakthrough Genomics
Classification: Benign. Review status: criteria provided, single submitter. Criteria: ACMG Guidelines, 2015. Collection method: not provided. Allele origin: germline. Inheritance: Autosomal recessive inheritance. Affected: yes.